The following is an entry in ClinVar:

ClinVar aggregate classification (germline): Likely benign. Review status: criteria provided, multiple submitters, no conflicts (2 of 4 stars). 2 submissions from 2 submitters: Likely benign (2). Last evaluated 2024-08-05.

Conditions:
Juvenile polyposis syndrome (JPS). Identifiers: Orphanet 2929, MedGen C0345893, MONDO:0017380, OMIM 174900.

Allele frequency attached by ClinVar (database versions not stated): gnomAD exomes below 0.00001.
gnomAD v4.1: 4 of 1,614,148 alleles (0.00025%); highest among the groups gnomAD compares: Non-Finnish European, 0.00034%; no homozygotes.

Submissions (2):

Myriad Genetics, Inc.
Classification: Likely benign for Juvenile polyposis syndrome. Last evaluated: 2024-08-05. Review status: criteria provided, single submitter. Criteria: Myriad Autosomal Dominant, Autosomal Recessive and X-Linked Classification Criteria (2023). Collection method: clinical testing. Allele origin: unknown.
Comment: This variant is considered likely benign. This variant is intronic and is not expected to impact mRNA splicing.

Labcorp Genetics (formerly Invitae), Labcorp
Classification: Likely benign for Juvenile polyposis syndrome. Last evaluated: 2023-03-15. Review status: criteria provided, single submitter. Criteria: Invitae Variant Classification Sherloc (09022015). Collection method: clinical testing. Allele origin: germline.

NM_004329.3(BMPR1A):c.868+7A>G

Gene: BMPR1A (bone morphogenetic protein receptor type 1A; plus strand). Cytogenetic location: 10q23.2.
Variant type: single nucleotide variant.
Coding change: c.868+7A>G on transcript NM_004329.3 (MANE Select); 7 bases into the intron after coding-DNA position 868, A replaced by G.
Molecular consequence: intron variant.
Genome position (GRCh38, 1-based): chr10:86,917,333, A>G. VCF-style: chr10-86917333-A-G. GRCh37 (hg19) VCF-style: chr10-88677090-A-G.
Identifiers: ClinVar variation 529959 (VCV000529959.12), dbSNP rs1554890819, ClinGen allele CA658797468.